The following is an entry in ClinVar:

NM_020937.4(FANCM):c.3001C>A (p.Leu1001Ile)

Gene: FANCM (FA complementation group M; plus strand). Cytogenetic location: 14q21.2.
Variant type: single nucleotide variant.
Coding change: c.3001C>A on transcript NM_020937.4 (MANE Select); coding-DNA position 3001, C replaced by A.
Protein change: p.Leu1001Ile; replaces leucine 1001 with isoleucine.
Molecular consequence: missense variant.
Genome position (GRCh38, 1-based): chr14:45,175,755, C>A. VCF-style: chr14-45175755-C-A. GRCh37 (hg19) VCF-style: chr14-45644958-C-A.
Other names: c.2923C>A, p.Leu975Ile (NM_001308133.2); short protein forms L1001I, L975I.
Identifiers: ClinVar variation 4254727 (VCV004254727.1).

ClinVar aggregate classification (germline): Uncertain significance (1 of 4 stars; one submission).

Conditions:
Inborn genetic diseases. Identifiers: MedGen C0950123, MeSH D030342.

Submission:

Ambry Genetics
Classification: Uncertain significance for Inborn genetic diseases. Last evaluated: 2025-08-31. Review status: criteria provided, single submitter. Criteria: Ambry Variant Classification Scheme 2023. Collection method: clinical testing. Allele origin: germline.
Comment: The p.L1001I variant (also known as c.3001C>A), located in coding exon 14 of the FANCM gene, results from a C to A substitution at nucleotide position 3001. The leucine at codon 1001 is replaced by isoleucine, an amino acid with highly similar properties. This amino acid position is conserved. In addition, this alteration is predicted to be tolerated by in silico analysis. Based on the available evidence, the clinical significance of this variant remains unclear.